The following is an entry in ClinVar:

NM_020831.6(MRTFA):c.3013dup (p.Leu1005fs)

Gene: MRTFA (myocardin related transcription factor A; minus strand). Cytogenetic location: 22q13.1.
Variant type: Duplication.
Coding change: c.3013dup on transcript NM_020831.6 (MANE Select); coding-DNA position 3013, one base duplicated (C; older notation c.3013dupC).
Protein change: p.Leu1005fs; shifts the reading frame from leucine 1005.
Molecular consequence: frameshift variant. On other transcripts: 3 prime UTR variant (1).
Genome position (GRCh38, 1-based): chr22:40,411,473, G duplicated on the plus strand (C on the coding strand, the reverse complement: MRTFA is on the minus strand); the first of 6 consecutive G bases (chr22:40,411,473-40,411,478); duplicating any one gives the same sequence. VCF-style (leftmost placement, unchanged base first): chr22-40411472-A-AG. GRCh37 (hg19) VCF-style: chr22-40807476-A-AG.
Other names: c.2713dup, p.Leu905fs (NM_001282660.2); c.2863dup, p.Leu955fs (NM_001282661.3); c.*326dup (NM_001282662.3); c.2818dup, p.Leu940fs (NM_001318139.2); short protein forms L1005fs, L955fs, L905fs, L940fs.
Identifiers: ClinVar variation 1951421 (VCV001951421.5), dbSNP rs752111993, ClinGen allele CA10249175.
Genomic context (GRCh38, chr22:40,411,472, plus strand): 5'-AGCTGCAAATCATGGCCATCGAGGAAGTCTGTGGAGAAGAGGCTGGGGGCTGTGGTGCTG[A>AG]GGGGGGCTAGGCTCAGCACGGGACCACCTGACGACAGCTCCAGCCAGTCCATGCTGTCCA-3'

ClinVar aggregate classification (germline): Uncertain significance (1 of 4 stars; one submission).

Submission:

Labcorp Genetics (formerly Invitae), Labcorp
Classification: Uncertain significance. Last evaluated: 2025-08-08. Review status: criteria provided, single submitter. Criteria: Invitae Variant Classification Sherloc (09022015). Collection method: clinical testing. Allele origin: germline.
Comment: This sequence change creates a premature translational stop signal (p.Leu905Profs*18) in the MKL1 gene. While this is not anticipated to result in nonsense mediated decay, it is expected to disrupt the last 27 amino acid(s) of the MKL1 protein. This variant is present in population databases (rs752111993, gnomAD 0.0009%). This variant has not been reported in the literature in individuals affected with MKL1-related conditions. ClinVar contains an entry for this variant (Variation ID: 1951421). Experimental studies and prediction algorithms are not available or were not evaluated, and the functional significance of this variant is currently unknown. In summary, the available evidence is currently insufficient to determine the role of this variant in disease. Therefore, it has been classified as a Variant of Uncertain Significance.